The following is an entry in ClinVar:

ClinVar aggregate classification (germline): Pathogenic (1 of 4 stars; one submission).

Conditions:
Propionic acidemia (PROP). Also called: GLYCINEMIA, KETOTIC; HYPERGLYCINEMIA WITH KETOACIDOSIS AND LEUKOPENIA; KETOTIC HYPERGLYCINEMIA. Identifiers: Orphanet 35, MedGen C0268579, MONDO:0011628, OMIM 606054, HP:0003571.

Submission:

Labcorp Genetics (formerly Invitae), Labcorp
Classification: Pathogenic for Propionic acidemia. Last evaluated: 2021-06-18. Review status: criteria provided, single submitter. Criteria: Invitae Variant Classification Sherloc (09022015). Collection method: clinical testing. Allele origin: germline.
Comment: For these reasons, this variant has been classified as Pathogenic. This variant disrupts the C-terminus of the PCCB protein. Other variant(s) that disrupt this region (p.Gln528*) have been determined to be pathogenic (Invitae). This suggests that variants that disrupt this region of the protein are likely to be causative of disease. This variant has not been reported in the literature in individuals with PCCB-related conditions. This variant is not present in population databases (ExAC no frequency). This sequence change results in a frameshift in the PCCB gene (p.His476Metfs*75). While this is not anticipated to result in nonsense mediated decay, it is expected to disrupt the last 64 amino acid(s) of the PCCB protein and extend the protein by 10 additional amino acid residues.

NM_000532.5(PCCB):c.1422del (p.His476fs)

Gene: PCCB (propionyl-CoA carboxylase subunit beta; plus strand). Cytogenetic location: 3q22.3.
Variant type: Deletion.
Coding change: c.1422del on transcript NM_000532.5 (MANE Select); coding-DNA position 1422, one base deleted (A; older notation c.1422delA).
Protein change: p.His476fs; shifts the reading frame from histidine 476.
Molecular consequence: frameshift variant.
Genome position (GRCh38, 1-based): chr3:136,328,781, A deleted; the last of 3 consecutive A bases (chr3:136,328,779-136,328,781); deleting any one gives the same sequence. VCF-style (leftmost placement, unchanged base first): chr3-136328778-CA-C. GRCh37 (hg19) VCF-style: chr3-136047620-CA-C.
Other names: c.1482del, p.His496fs (NM_001178014.2); short protein forms H476fs, H496fs.
Identifiers: ClinVar variation 1455788 (VCV001455788.8), dbSNP rs2108240287, ClinGen allele CA2573136575.